The following is an entry in ClinVar:

ClinVar aggregate classification (germline): Pathogenic (1 of 4 stars; one submission).

Submission:

Labcorp Genetics (formerly Invitae), Labcorp
Classification: Pathogenic. Last evaluated: 2020-02-12. Review status: criteria provided, single submitter. Criteria: Invitae Variant Classification Sherloc (09022015). Collection method: clinical testing. Allele origin: germline.
Comment: For these reasons, this variant has been classified as Pathogenic. Loss-of-function variants in SLC7A9 are known to be pathogenic (PMID: 11157794, 16838140, 25296721). Algorithms developed to predict the effect of sequence changes on RNA splicing suggest that this variant may disrupt the consensus splice site, but this prediction has not been confirmed by published transcriptional studies. This variant has not been reported in the literature in individuals with SLC7A9-related conditions. This variant is not present in population databases (ExAC no frequency). This sequence change creates a premature translational stop signal (p.Val409Cysfs*3) in the SLC7A9 gene. It is expected to result in an absent or disrupted protein product.

Literature cited by the submitters: PubMed 11157794; PubMed 16838140; PubMed 25296721.

NC_000019.10:g.32833324del

Gene: SLC7A9 (solute carrier family 7 member 9; minus strand). Cytogenetic location: 19q13.11.
Variant type: Deletion.
Genome position: GRCh38 VCF-style: chr19-32833322-AC-A. GRCh37 (hg19) VCF-style: chr19-33324228-AC-A.
Identifiers: ClinVar variation 1068795 (VCV001068795.7), dbSNP rs2145794314, ClinGen allele CA2499225433.
Genomic context (GRCh38, chr19:32,833,322, plus strand): 5'-ATTGGAGCCAGAACCAAAAACACAGAGATGAGTGTCATCAAGACGGGAATGACTACGGGC[AC>A]CTGGAGACGAAAAACAGGTCATGGGTACCCATTTTCTTTTTGAAATTTTTCATGATAAAA-3'